The following is an entry in ClinVar:

NM_000548.5(TSC2):c.3197T>C (p.Leu1066Pro)

Gene: TSC2 (TSC complex subunit 2; plus strand). Cytogenetic location: 16p13.3.
Variant type: single nucleotide variant.
Coding change: c.3197T>C on transcript NM_000548.5 (MANE Select); coding-DNA position 3197, T replaced by C.
Protein change: p.Leu1066Pro; replaces leucine 1066 with proline.
Molecular consequence: missense variant.
Genome position (GRCh38, 1-based): chr16:2,079,341, T>C. VCF-style: chr16-2079341-T-C. GRCh37 (hg19) VCF-style: chr16-2129342-T-C.
Other names: c.3065T>C, p.Leu1022Pro (NM_001077183.3, NM_001370404.1); c.3197T>C, p.Leu1066Pro (NM_001114382.3); c.2957T>C, p.Leu986Pro (NM_001318827.2); c.2921T>C, p.Leu974Pro (NM_001318829.2); c.2465T>C, p.Leu822Pro (NM_001318831.2); c.3098T>C, p.Leu1033Pro (NM_001318832.2); c.3068T>C, p.Leu1023Pro (NM_001363528.2, NM_001370405.1, NM_021055.3); short protein forms L1066P, L1022P, L974P, L1023P, L986P, L1033P, L822P.
Identifiers: ClinVar variation 65283 (VCV000065283.9), dbSNP rs397515207, ClinGen allele CA018667.
Genomic context (GRCh38, chr16:2,079,341, plus strand): 5'-CTGTGGGCGAGTTCCTCCTAGCGGGTGGCAGGACCAAAACCTGGCTGGTTGGGAACAAGC[T>C]TGTCACTGTGACGACAAGCGTGGGAACCGGGACCCGGTCGTTACTAGGCCTGGACTCGGG-3'
Protein context (NP_000539.2, residues 1056-1076): RTKTWLVGNK[Leu1066Pro]VTVTTSVGTG

ClinVar aggregate classification (germline): Conflicting classifications of pathogenicity. Review status: criteria provided, conflicting classifications (1 of 4 stars). 4 submissions from 4 submitters: Likely pathogenic (1); Uncertain significance (2). 1 of the submissions does not count toward it. Last evaluated 2025-04-28.

Conditions:
Tuberous sclerosis syndrome (TSC). Also called: Tuberous Sclerosis Complex; Tuberous sclerosis. Identifiers: Orphanet 805, MedGen C0041341, MONDO:0001734.
Tuberous sclerosis 2 (TSC2). Identifiers: Orphanet 805, MedGen C1860707, MONDO:0013199, OMIM 613254.

Submissions (4):

Athena Diagnostics
Classification: Uncertain significance. Last evaluated: 2025-04-28. Review status: criteria provided, single submitter. Criteria: Athena Diagnostics Criteria. Collection method: clinical testing. Allele origin: unknown.
Comment: Available data are insufficient to determine the clinical significance of the variant at this time. This variant has not been reported in large, multi-ethnic general populations. Polyphen and MutationTaster predict this amino acid change may be damaging to the protein.

Labcorp Genetics (formerly Invitae), Labcorp
Classification: Uncertain significance for Tuberous sclerosis 2. Last evaluated: 2022-09-23. Review status: criteria provided, single submitter. Criteria: Invitae Variant Classification Sherloc (09022015). Collection method: clinical testing. Allele origin: germline.
Comment: In summary, the available evidence is currently insufficient to determine the role of this variant in disease. Therefore, it has been classified as a Variant of Uncertain Significance. Advanced modeling of protein sequence and biophysical properties (such as structural, functional, and spatial information, amino acid conservation, physicochemical variation, residue mobility, and thermodynamic stability) has been performed at Invitae for this missense variant, however the output from this modeling did not meet the statistical confidence thresholds required to predict the impact of this variant on TSC2 protein function. ClinVar contains an entry for this variant (Variation ID: 65283). This variant has not been reported in the literature in individuals affected with TSC2-related conditions. This variant is not present in population databases (gnomAD no frequency). This sequence change replaces leucine, which is neutral and non-polar, with proline, which is neutral and non-polar, at codon 1066 of the TSC2 protein (p.Leu1066Pro).

GeneDx
Classification: Likely pathogenic. Last evaluated: 2016-03-25. Review status: criteria provided, single submitter. Criteria: GeneDx Variant Classification (06012015). Collection method: clinical testing. Allele origin: germline. Affected: yes.
Comment: The L1066P variant has not been published as a pathogenic variant, nor has it been reported as a benign variant to our knowledge. It was not observed in approximately 6,500 individuals of European and African American ancestry in the NHLBI Exome Sequencing Project, indicating it is not a common benign variant in these populations. The L1066P variant is a semi-conservative amino acid substitution, which may impact secondary protein structure as these residues differ in some properties. This substitution occurs at a position that is conserved across species, and in silico analysis predicts this variant is probably damaging to the protein structure/function. A missense variant in the same (L1066R) residue was previously reported in an individual with subependymal giant cell astrocytomas (SEGA) associated with tuberous sclerosis complex (Kwiatkowski et al, 2015), and missense variants in nearby residues (W1060R, L1061P, T1068I, T1071I) have been reported in the Human Gene Mutation Database in association with TSC (Stenson et al., 2014), supporting the functional importance of this region of the protein. However, this substitution does not occur within known functional domains of the tuberin protein, where many pathogenic missense variants have been identified (Northrup et al., 2011; Au et al., 2007). Therefore, this variant is likely pathogenic; however, the possibility that it is benign cannot be excluded.

Tuberous sclerosis database (TSC2)
No classification provided. Condition: TSC. Review status: no classification provided. Criteria: Tuberous Sclerosis Database Assertion Criteria 2015. Collection method: curation. Allele origin: germline. Affected: yes. Not counted in ClinVar's aggregate classification.

Literature cited by the submitters: PubMed 32917966 (cited by Athena Diagnostics).